The following is an entry in ClinVar:

ClinVar aggregate classification (germline): Pathogenic/Likely pathogenic. Review status: criteria provided, multiple submitters, no conflicts (2 of 4 stars). 4 submissions from 4 submitters: Pathogenic (1); Likely pathogenic (3). Last evaluated 2026-04-01.

Conditions:
Hypophosphatasia. Also called: Phosphoethanol-aminuria. Identifiers: Orphanet 436, MedGen C0020630, MeSH D007014, MONDO:0018570.

gnomAD v4.1: 1 of 1,612,886 alleles (0.000062%); highest among the groups gnomAD compares: Non-Finnish European, 0.000085%; no homozygotes.

Submissions (4):

Myriad Genetics, Inc.
Classification: Likely pathogenic for Hypophosphatasia. Last evaluated: 2026-04-01. Review status: criteria provided, single submitter. Criteria: Myriad Autosomal Dominant, Autosomal Recessive and X-Linked Classification Criteria (2023). Collection method: clinical testing. Allele origin: unknown.
Comment: NM_000478.4(ALPL):c.211C>G(R71G) is a missense variant classified as likely pathogenic in the context of hypophosphatasia. R71G has been observed in cases with relevant disease (PMID: 40703321, 35878747, 28127875). Relevant functional assessments of this variant are not available in the literature. Internal structural analysis of the variant is supportive of pathogenicity. R71G has not been observed in referenced population frequency databases. In summary, NM_000478.4(ALPL):c.211C>G(R71G) is a missense variant that has internal structural support for pathogenicity and has been observed more frequently in cases with the relevant disease than in healthy populations. Please note: this variant was assessed in the context of healthy population screening.

Natera, Inc.
Classification: Likely pathogenic for Hypophosphatasia. Last evaluated: 2026-01-28. Review status: criteria provided, single submitter. Criteria: Natera Variant Classification Schema (03/2026). Collection method: clinical testing. Allele origin: germline.
Comment: The c.211C>G variant in ALPL is a missense variant predicted to cause substitution of arginine to glycine at amino acid 71. This variant is rare in the general population with a frequency below the threshold expected for the associated phenotype(s). This variant has been observed in affected individual(s) with monoallelic occurrence (heterozygous/hemizygous) (PMID: 28127875). A different variant at the same position has been determined to be Pathogenic or Likely Pathogenic. Computational prediction algorithms indicate this variant is likely to affect gene or protein function. Given the available evidence, this variant is classified as Likely Pathogenic.

Labcorp Genetics (formerly Invitae), Labcorp
Classification: Pathogenic. Last evaluated: 2025-12-23. Review status: criteria provided, single submitter. Criteria: Invitae Variant Classification Sherloc (09022015). Collection method: clinical testing. Allele origin: germline.
Comment: This sequence change replaces arginine, which is basic and polar, with glycine, which is neutral and non-polar, at codon 71 of the ALPL protein (p.Arg71Gly). This variant is not present in population databases (gnomAD no frequency). This missense change has been observed in individuals with hypophosphatasia (PMID: 28127875; internal data). ClinVar contains an entry for this variant (Variation ID: 2733837). Invitae Evidence Modeling of protein sequence and biophysical properties (such as structural, functional, and spatial information, amino acid conservation, physicochemical variation, residue mobility, and thermodynamic stability) indicates that this missense variant is expected to disrupt ALPL protein function with a positive predictive value of 95%. This variant disrupts the p.Arg71 amino acid residue in ALPL. Other variant(s) that disrupt this residue have been determined to be pathogenic (PMID: 11438998, 22322541, 22397652, 25731960, 31760938). This suggests that this residue is clinically significant, and that variants that disrupt this residue are likely to be disease-causing. For these reasons, this variant has been classified as Pathogenic.

Genomenon, Inc
Classification: Likely pathogenic for Hypophosphatasia. Last evaluated: 2025-08-29. Review status: criteria provided, single submitter. Criteria: Genomenon Sequence Variant Interpretation Standards. Collection method: curation. Allele origin: germline. Affected: yes.
Comment: ALPL c.211C>G is a missense variant that changes the amino acid at residue 71 from Arginine to Glycine. This variant has been observed in at least one proband affected with hypophosphatasia (PMID:28401263;28127875). It is absent or not present at a significant frequency in gnomAD. In silico models agree that this variant is possibly or probably damaging. In conclusion, we classify ALPL p.Arg71Gly (c.211C>G) as a likely pathogenic variant.

Literature cited by the submitters: PubMed 28127875 (cited by 4 submitters); PubMed 35878747 (cited by Myriad Genetics, Inc.); PubMed 40703321 (cited by Myriad Genetics, Inc.); PubMed 11438998 (cited by Labcorp Genetics (formerly Invitae), Labcorp); PubMed 22322541 (cited by Labcorp Genetics (formerly Invitae), Labcorp); PubMed 22397652 (cited by Labcorp Genetics (formerly Invitae), Labcorp); PubMed 25731960 (cited by Labcorp Genetics (formerly Invitae), Labcorp); PubMed 31760938 (cited by Labcorp Genetics (formerly Invitae), Labcorp); PubMed 28401263 (cited by Genomenon, Inc).

NM_000478.6(ALPL):c.211C>G (p.Arg71Gly)

Gene: ALPL (alkaline phosphatase, biomineralization associated; plus strand). Cytogenetic location: 1p36.12.
Variant type: single nucleotide variant.
Coding change: c.211C>G on transcript NM_000478.6 (MANE Select); coding-DNA position 211, C replaced by G.
Protein change: p.Arg71Gly; replaces arginine 71 with glycine.
Molecular consequence: missense variant. On other transcripts: intron variant (1).
Genome position (GRCh38, 1-based): chr1:21,561,126, C>G. VCF-style: chr1-21561126-C-G. GRCh37 (hg19) VCF-style: chr1-21887619-C-G.
Other names: c.46C>G, p.Arg16Gly (NM_001127501.4); c.211C>G, p.Arg71Gly (NM_001369803.2, NM_001369804.2, NM_001369805.2); c.66+381C>G (NM_001177520.3); c.211C>G (NM_000478.5); short protein forms R16G, R71G.
Identifiers: ClinVar variation 2733837 (VCV002733837.6), dbSNP rs121918001, ClinGen allele CA338877926.